The following is an entry in ClinVar:

NM_002941.4(ROBO1):c.1072C>T (p.Arg358Cys)

Gene: ROBO1 (roundabout guidance receptor 1; minus strand). Cytogenetic location: 3p12.3.
Variant type: single nucleotide variant.
Coding change: c.1072C>T on transcript NM_002941.4 (MANE Select); coding-DNA position 1072, C replaced by T.
Protein change: p.Arg358Cys; replaces arginine 358 with cysteine.
Molecular consequence: missense variant.
Genome position (GRCh38, 1-based): chr3:78,688,746, G>A on the plus strand (C>T on the coding strand, the complement: ROBO1 is on the minus strand). VCF-style: chr3-78688746-G-A. GRCh37 (hg19) VCF-style: chr3-78737896-G-A.
Other names: c.964C>T, p.Arg322Cys (NM_001145845.2, NM_133631.4); short protein forms R322C, R358C.
Identifiers: ClinVar variation 3907304 (VCV003907304.1).

ClinVar aggregate classification (germline): Uncertain significance (1 of 4 stars; one submission).

gnomAD v4.1: 17 of 1,608,950 alleles (0.0011%); highest among the groups gnomAD compares: South Asian, 0.0045%; no homozygotes.

Submission:

Women's Health and Genetics/Laboratory Corporation of America, LabCorp
Classification: Uncertain significance. Last evaluated: 2025-06-09. Review status: criteria provided, single submitter. Criteria: LabCorp Variant Classification Summary - May 2015. Collection method: clinical testing. Allele origin: germline.
Comment: Variant summary: ROBO1 c.1072C>T (p.Arg358Cys) results in a non-conservative amino acid change in the encoded protein sequence. Algorithms developed to predict the effect of missense changes on protein structure and function are either unavailable or do not agree on the potential impact of this missense change. The variant allele was found at a frequency of 4.1e-06 in 241336 control chromosomes. The available data on variant occurrences in the general population are insufficient to allow any conclusion about variant significance. To our knowledge, no occurrence of c.1072C>T in individuals affected with ROBO1-Related Disorders and no experimental evidence demonstrating its impact on protein function have been reported. No submitters have cited clinical-significance assessments for this variant to ClinVar. Based on the evidence outlined above, the variant was classified as uncertain significance.